The following is an entry in ClinVar:

NM_001386393.1(PANK2):c.55C>G (p.Leu19Val)

Genes: PANK2 (pantothenate kinase 2; plus strand), LOC130065345 (ATAC-STARR-seq lymphoblastoid silent region 12635; plus strand). Cytogenetic location: 20p13.
Variant type: single nucleotide variant.
Coding change: c.55C>G on transcript NM_001386393.1 (MANE Select); coding-DNA position 55, C replaced by G.
Protein change: p.Leu19Val; replaces leucine 19 with valine.
Molecular consequence: missense variant. On other transcripts: 5 prime UTR variant (1), non-coding transcript variant (1), intron variant (1).
Genome position (GRCh38, 1-based): chr20:3,889,485, C>G. VCF-style: chr20-3889485-C-G. GRCh37 (hg19) VCF-style: chr20-3870132-C-G.
Other names: c.-657C>G (NM_001324191.2); c.385C>G, p.Leu129Val (NM_001324192.1, NM_153638.4); c.-246+581C>G (NM_024960.6); c.385C>G (NM_153638.2); short protein forms L19V, L129V.
Identifiers: ClinVar variation 1442181 (VCV001442181.6), dbSNP rs772205776, ClinGen allele CA408140830.
Genomic context (GRCh38, chr20:3,889,485, plus strand): 5'-CCGACGCTGGGGGGCTTGCTCGGGCGGCAGCGACTGCTGCTGCGGATGGGAGGGGGCCGG[C>G]TCGGCGCGCCCATGGAGCGCCACGGCAGGGCTTCCGCCACCTCCGTCTCGTCGGCTGGGG-3'
Protein context (NP_001373322.1, residues 9-29): RLLLRMGGGR[Leu19Val]GAPMERHGRA

ClinVar aggregate classification (germline): Uncertain significance. Review status: criteria provided, multiple submitters, no conflicts (2 of 4 stars). 2 submissions from 2 submitters: Uncertain significance (2). Last evaluated 2025-05-17.

Conditions:
Pigmentary pallidal degeneration (NBIA1). Also called: Neurodegeneration with brain iron accumulation 1; Pantothenate Kinase-Associated Neurodegeneration; HARP SYNDROME; PKAN NEUROAXONAL DYSTROPHY, JUVENILE-ONSET; Neuroaxonal dystrophy, late infantile; Hallervorden-Spatz disease. Identifiers: Orphanet 157850, MedGen C0018523, MONDO:0009319, OMIM 234200.
Inborn genetic diseases. Identifiers: MedGen C0950123, MeSH D030342.

gnomAD v4.1: 10 of 1,487,342 alleles (0.00067%); highest among the groups gnomAD compares: Non-Finnish European, 0.00089%; no homozygotes.

Submissions (2):

Ambry Genetics
Classification: Uncertain significance for Inborn genetic diseases. Last evaluated: 2025-05-17. Review status: criteria provided, single submitter. Criteria: Ambry Variant Classification Scheme 2023. Collection method: clinical testing. Allele origin: germline.

Labcorp Genetics (formerly Invitae), Labcorp
Classification: Uncertain significance for Pigmentary pallidal degeneration. Last evaluated: 2021-09-01. Review status: criteria provided, single submitter. Criteria: Invitae Variant Classification Sherloc (09022015). Collection method: clinical testing. Allele origin: germline.
Comment: This sequence change replaces leucine with valine at codon 129 of the PANK2 protein (p.Leu129Val). The leucine residue is weakly conserved and there is a small physicochemical difference between leucine and valine. The frequency data for this variant in the population databases is considered unreliable, as metrics indicate insufficient coverage at this position in the ExAC database. This variant has not been reported in the literature in individuals affected with PANK2-related conditions. Algorithms developed to predict the effect of missense changes on protein structure and function (SIFT, PolyPhen-2, Align-GVGD) all suggest that this variant is likely to be tolerated. Algorithms developed to predict the effect of sequence changes on RNA splicing suggest that this variant may create or strengthen a splice site. In summary, the available evidence is currently insufficient to determine the role of this variant in disease. Therefore, it has been classified as a Variant of Uncertain Significance.